The following is an entry in ClinVar:

ClinVar aggregate classification (germline): Pathogenic (1 of 4 stars; one submission).

Submission:

GeneDx
Classification: Pathogenic. Last evaluated: 2023-05-05. Review status: criteria provided, single submitter. Criteria: GeneDx Variant Classification Process June 2021. Collection method: clinical testing. Allele origin: germline. Affected: yes.
Comment: Not observed at significant frequency in large population cohorts (gnomAD); In silico analysis supports that this missense variant has a deleterious effect on protein structure/function; Has not been previously published as pathogenic or benign to our knowledge

NM_001128840.3(CACNA1D):c.1856G>C (p.Arg619Pro)

Gene: CACNA1D (calcium voltage-gated channel subunit alpha1 D; plus strand). Cytogenetic location: 3p21.1.
Variant type: single nucleotide variant.
Coding change: c.1856G>C on transcript NM_001128840.3 (MANE Select); coding-DNA position 1856, G replaced by C.
Protein change: p.Arg619Pro; replaces arginine 619 with proline.
Molecular consequence: missense variant.
Genome position (GRCh38, 1-based): chr3:53,723,623, G>C. VCF-style: chr3-53723623-G-C. GRCh37 (hg19) VCF-style: chr3-53757650-G-C.
Other names: c.1916G>C, p.Arg639Pro (NM_000720.4); c.1856G>C, p.Arg619Pro (NM_001128839.3); short protein forms R619P, R639P.
Identifiers: ClinVar variation 2443440 (VCV002443440.2), dbSNP rs2094903479, ClinGen allele CA353237478.
Genomic context (GRCh38, chr3:53,723,623, plus strand): 5'-TCACTGAGACGATCTTGGTGGAACTGGAAATCATGTCTCCCCTGGGGATCTCTGTGTTTC[G>C]GTGTGTGCGCCTCTTAAGAATCTTCAAAGTGACCAGGTAAGGAAATGTGGGTCCCACTGC-3'
Protein context (NP_001122312.1, residues 609-629): IMSPLGISVF[Arg619Pro]CVRLLRIFKV